The following is an entry in ClinVar:

ClinVar aggregate classification (germline): Uncertain significance (1 of 4 stars; one submission).

Conditions:
Isolated focal cortical dysplasia type II (FCORD2). Also called: Focal cortical dysplasia type II; CORTICAL DYSPLASIA OF TAYLOR. Identifiers: Orphanet 268994, MedGen C1846385, MONDO:0011818, OMIM 607341, HP:0032051.

Submission:

Centre for Mendelian Genomics, University Medical Centre Ljubljana
Classification: Uncertain significance for Isolated focal cortical dysplasia type II. Last evaluated: 2018-10-17. Review status: criteria provided, single submitter. Criteria: ACMG Guidelines, 2015. Collection method: clinical testing. Allele origin: unknown. Affected: yes.
Comment: This variant was classified as: Uncertain significance. The available evidence on this variant's pathogenicity is insufficient or conflicting. The following ACMG criteria were applied in classifying this variant: PM2,PP3.

NM_004958.4(MTOR):c.3109C>G (p.Leu1037Val)

Gene: MTOR (mechanistic target of rapamycin kinase; minus strand). Cytogenetic location: 1p36.22.
Variant type: single nucleotide variant.
Coding change: c.3109C>G on transcript NM_004958.4 (MANE Select); coding-DNA position 3109, C replaced by G.
Protein change: p.Leu1037Val; replaces leucine 1037 with valine.
Molecular consequence: missense variant.
Genome position (GRCh38, 1-based): chr1:11,216,156, G>C on the plus strand (C>G on the coding strand, the complement: MTOR is on the minus strand). VCF-style: chr1-11216156-G-C. GRCh37 (hg19) VCF-style: chr1-11276213-G-C.
Other names: short protein forms L1037V.
Identifiers: ClinVar variation 930828 (VCV000930828.3), dbSNP rs1646462806, ClinGen allele CA338376479.